The following is an entry in ClinVar:

ClinVar aggregate classification (germline): Uncertain significance (1 of 4 stars; one submission).

gnomAD v4.1: 216 of 1,613,950 alleles (0.013%); highest among the groups gnomAD compares: Middle Eastern, 0.033%; no homozygotes.

Submissions (2):

CeGaT Center for Human Genetics Tuebingen
Classification: Uncertain significance. Last evaluated: 2025-10-01. Review status: criteria provided, single submitter. Criteria: CeGaT Center For Human Genetics Tuebingen Variant Classification Criteria Version 2. Collection method: clinical testing. Allele origin: germline. Affected: yes. Observed: 2 variant alleles.
Comment: PIK3R5: PM2, PM3:Supporting, PP3

Dr. Peter K. Rogan Lab, Western University
No classification provided (evidence only). Condition: Thyroid cancer, nonmedullary, 1. Review status: no classification provided. Collection method: in vitro. Allele origin: not applicable. Functional consequence: retained intron. Not counted in ClinVar's aggregate classification.

NM_001142633.3(PIK3R5):c.1834G>A (p.Gly612Ser)

Gene: PIK3R5 (phosphoinositide-3-kinase regulatory subunit 5; minus strand). Cytogenetic location: 17p13.1.
Variant type: single nucleotide variant.
Coding change: c.1834G>A on transcript NM_001142633.3 (MANE Select); coding-DNA position 1834, G replaced by A.
Protein change: p.Gly612Ser; replaces glycine 612 with serine.
Molecular consequence: missense variant.
Genome position (GRCh38, 1-based): chr17:8,887,167, C>T on the plus strand (G>A on the coding strand, the complement: PIK3R5 is on the minus strand). VCF-style: chr17-8887167-C-T. GRCh37 (hg19) VCF-style: chr17-8790484-C-T.
Other names: NC_000017.10:g.8790484C>T; c.676G>A, p.Gly226Ser (NM_001251851.2, NM_001251852.2, NM_001251853.2 and 5 more transcripts); c.1834G>A, p.Gly612Ser (NM_001388396.1, NM_014308.4); short protein forms G226S, G612S.
Identifiers: ClinVar variation 4083867 (VCV004083867.9).